The following is an entry in ClinVar:

NM_001943.5(DSG2):c.1633A>C (p.Lys545Gln)

Gene: DSG2 (desmoglein 2; plus strand). Cytogenetic location: 18q12.1.
Variant type: single nucleotide variant.
Coding change: c.1633A>C on transcript NM_001943.5 (MANE Select); coding-DNA position 1633, A replaced by C.
Protein change: p.Lys545Gln; replaces lysine 545 with glutamine.
Molecular consequence: missense variant.
Genome position (GRCh38, 1-based): chr18:31,536,411, A>C. VCF-style: chr18-31536411-A-C. GRCh37 (hg19) VCF-style: chr18-29116374-A-C.
Other names: short protein forms K545Q.
Identifiers: ClinVar variation 1392713 (VCV001392713.10), dbSNP rs544175105, ClinGen allele CA297741648.

ClinVar aggregate classification (germline): Uncertain significance. Review status: criteria provided, multiple submitters, no conflicts (2 of 4 stars). 2 submissions from 2 submitters: Uncertain significance (2). Last evaluated 2026-01-31.

Conditions:
Arrhythmogenic right ventricular cardiomyopathy (ARVD). Also called: Cardiomyopathy, ARVC; Arrhythmogenic right ventricular dysplasia; Arrhythmogenic Right Ventricular Cardiomyopathy (ARVC); Arrhythmogenic cardiomyopathy. Identifiers: Orphanet 247, MedGen C0349788, MeSH D019571, MONDO:0016587. Disease mechanism: loss of function. Inheritance: Various modes of inheritance.
Arrhythmogenic right ventricular dysplasia 10. Also called: Arrhythmogenic right ventricular dysplasia/cardiomyopathy, type 10; Arrhythmogenic Right Ventricular Dysplasia/Cardiomyopathy10; ARRHYTHMOGENIC RIGHT VENTRICULAR DYSPLASIA, FAMILIAL, 10. Identifiers: MedGen C1857777, MONDO:0012434, OMIM 610193.

Allele frequency attached by ClinVar (database versions not stated): gnomAD exomes below 0.00001; gnomAD 0.00001; TOPMed 0.00002.
gnomAD v4.1: 3 of 1,613,742 alleles (0.00019%); highest among the groups gnomAD compares: Non-Finnish European, 0.00025%; no homozygotes.

Submissions (2):

Labcorp Genetics (formerly Invitae), Labcorp
Classification: Uncertain significance for Arrhythmogenic right ventricular dysplasia 10. Last evaluated: 2026-01-31. Review status: criteria provided, single submitter. Criteria: Invitae Variant Classification Sherloc (09022015). Collection method: clinical testing. Allele origin: germline.
Comment: This sequence change replaces lysine, which is basic and polar, with glutamine, which is neutral and polar, at codon 545 of the DSG2 protein (p.Lys545Gln). This variant is not present in population databases (gnomAD no frequency). This variant has not been reported in the literature in individuals affected with DSG2-related conditions. ClinVar contains an entry for this variant (Variation ID: 1392713). Invitae Evidence Modeling of protein sequence and biophysical properties (such as structural, functional, and spatial information, amino acid conservation, physicochemical variation, residue mobility, and thermodynamic stability) indicates that this missense variant is not expected to disrupt DSG2 protein function with a negative predictive value of 95%. In summary, the available evidence is currently insufficient to determine the role of this variant in disease. Therefore, it has been classified as a Variant of Uncertain Significance.

All of Us Research Program, National Institutes of Health
Classification: Uncertain significance for Arrhythmogenic right ventricular cardiomyopathy. Last evaluated: 2024-04-25. Review status: criteria provided, single submitter. Criteria: ACMG Guidelines, 2015. Collection method: clinical testing. Allele origin: germline. Inheritance: Autosomal dominant inheritance. Observed: 6 variant alleles, 6 heterozygotes.
Comment: This missense variant replaces lysine with glutamine at codon 545 of the DSG2 protein. Computational prediction suggests that this variant may not impact protein structure and function (internally defined REVEL score threshold <= 0.5, PMID: 27666373). To our knowledge, functional studies have not been reported for this variant. This variant has not been reported in individuals affected with DSG2-related disorders in the literature. This variant has not been identified in the general population by the Genome Aggregation Database (gnomAD). The available evidence is insufficient to determine the role of this variant in disease conclusively. Therefore, this variant is classified as a Variant of Uncertain Significance.

This study involves interpretation of variants in research participants for the purpose of population health screening. Participant phenotype was not available at the time of variant classification. Additional details can be found in publication PMID: 35346344, PMCID: PMC8962531